The following is an entry in ClinVar:

ClinVar aggregate classification (germline): Pathogenic (1 of 4 stars; one submission).

Conditions:
Early-infantile DEE. Also called: Ohtahara syndrome; Early infantile epileptic encephalopathy; Early infantile epileptic encephalopathy with suppression bursts. Identifiers: Orphanet 1934, MedGen C0393706, MONDO:0800491.

Submission:

Labcorp Genetics (formerly Invitae), Labcorp
Classification: Pathogenic for Early-infantile DEE. Last evaluated: 2023-09-15. Review status: criteria provided, single submitter. Criteria: Invitae Variant Classification Sherloc (09022015). Collection method: clinical testing. Allele origin: germline.
Comment: This sequence change results in a frameshift in the KCNQ2 gene (p.Ser693Alafs*237). While this is not anticipated to result in nonsense mediated decay, it is expected to disrupt the last 180 amino acid(s) of the KCNQ2 protein and extend the protein by 56 additional amino acid residues. This variant is not present in population databases (gnomAD no frequency). This variant has not been reported in the literature in individuals affected with KCNQ2-related conditions. This variant disrupts a region of the KCNQ2 protein in which other variant(s) (p.Lys829Serfs*35) have been determined to be pathogenic (Invitae). This suggests that this is a clinically significant region of the protein, and that variants that disrupt it are likely to be disease-causing. For these reasons, this variant has been classified as Pathogenic.

NM_172107.4(KCNQ2):c.2077del (p.Ser693fs)

Gene: KCNQ2 (potassium voltage-gated channel subfamily Q member 2; minus strand). Cytogenetic location: 20q13.33.
Variant type: Deletion.
Coding change: c.2077del on transcript NM_172107.4 (MANE Select); coding-DNA position 2077, one base deleted (A; older notation c.2077delA).
Protein change: p.Ser693fs; shifts the reading frame from serine 693.
Molecular consequence: frameshift variant.
Genome position (GRCh38, 1-based): chr20:63,407,186, T deleted on the plus strand (A on the coding strand, the reverse complement: KCNQ2 is on the minus strand). VCF-style (leftmost placement, unchanged base first): chr20-63407185-CT-C. GRCh37 (hg19) VCF-style: chr20-62038538-CT-C.
Other names: c.2131del, p.Ser711fs (NM_001382235.1); c.1993del, p.Ser665fs (NM_004518.6); c.2023del, p.Ser675fs (NM_172106.3); c.1984del, p.Ser662fs (NM_172108.5); short protein forms S711fs, S662fs, S675fs, S665fs, S693fs.
Identifiers: ClinVar variation 2760868 (VCV002760868.3), dbSNP rs2516102200, ClinGen allele CA2697547450.